The following is an entry in ClinVar:

NM_020166.5(MCCC1):c.1161T>C (p.Tyr387=)

Gene: MCCC1 (methylcrotonyl-CoA carboxylase subunit 1; minus strand). Cytogenetic location: 3q27.1.
Variant type: single nucleotide variant.
Coding change: c.1161T>C on transcript NM_020166.5 (MANE Select); coding-DNA position 1161, T replaced by C.
Protein change: p.Tyr387=; no amino-acid change (tyrosine 387 retained).
Molecular consequence: synonymous variant. On other transcripts: non-coding transcript variant (2).
Genome position (GRCh38, 1-based): chr3:183,041,673, A>G on the plus strand (T>C on the coding strand, the complement: MCCC1 is on the minus strand). VCF-style: chr3-183041673-A-G. GRCh37 (hg19) VCF-style: chr3-182759461-A-G.
Other names: c.810T>C, p.Tyr270= (NM_001293273.2); c.834T>C, p.Tyr278= (NM_001363880.1).
Identifiers: ClinVar variation 4985569 (VCV004985569.1).
Genomic context (GRCh38, chr3:183,041,673, plus strand): 5'-AGTAGAGAGGTGCACTAATGGGCCTGCCACAGGCATGAAGTTATTGCTAGGATCTTCTGC[A>G]TATATTCTAGCTTCGAAGGCATGGCCCTGCAGAGTTATTTCTTCCTGGCTCAAAGGAATC-3'
Protein context (NP_064551.3, residues 377-397): LQGHAFEARI[Tyr387=]AEDPSNNFMP

ClinVar aggregate classification (germline): Likely benign (1 of 4 stars; one submission).

Conditions:
MCCC1-related disorder. Also called: MCCC1-related condition.

gnomAD v4.1: 2 of 1,614,078 alleles (0.00012%); highest among the groups gnomAD compares: African/African-American, 0.0013%; no homozygotes.

Submission:

PreventionGenetics, part of Exact Sciences
Classification: Likely benign for MCCC1-related condition. Last evaluated: 2025-07-24. Review status: criteria provided, single submitter. Criteria: ACMG Guidelines, 2015. Collection method: clinical testing. Allele origin: germline.
Comment: This variant is classified as likely benign based on ACMG/AMP sequence variant interpretation guidelines (Richards et al. 2015 PMID: 25741868, with internal and published modifications).